The following is an entry in ClinVar:

NM_001005337.3(PKP1):c.1406T>C (p.Val469Ala)

Gene: PKP1 (plakophilin 1; plus strand). Cytogenetic location: 1q32.1.
Variant type: single nucleotide variant.
Coding change: c.1406T>C on transcript NM_001005337.3 (MANE Select); coding-DNA position 1406, T replaced by C.
Protein change: p.Val469Ala; replaces valine 469 with alanine.
Molecular consequence: missense variant.
Genome position (GRCh38, 1-based): chr1:201,322,036, T>C. VCF-style: chr1-201322036-T-C. GRCh37 (hg19) VCF-style: chr1-201291164-T-C.
Other names: c.1469T>C, p.Val490Ala (NM_000299.4); short protein forms V469A, V490A.
Identifiers: ClinVar variation 2987406 (VCV002987406.3), dbSNP rs772008553, ClinGen allele CA1324460.

ClinVar aggregate classification (germline): Uncertain significance (1 of 4 stars; one submission).

Allele frequency attached by ClinVar (database versions not stated): gnomAD exomes below 0.00001; ExAC 0.00001; TOPMed 0.00001.
gnomAD v4.1: 4 of 1,613,704 alleles (0.00025%); highest among the groups gnomAD compares: Non-Finnish European, 0.00025%; no homozygotes.

Submission:

Labcorp Genetics (formerly Invitae), Labcorp
Classification: Uncertain significance. Last evaluated: 2023-01-17. Review status: criteria provided, single submitter. Criteria: Invitae Variant Classification Sherloc (09022015). Collection method: clinical testing. Allele origin: germline.
Comment: In summary, the available evidence is currently insufficient to determine the role of this variant in disease. Therefore, it has been classified as a Variant of Uncertain Significance. Advanced modeling of protein sequence and biophysical properties (such as structural, functional, and spatial information, amino acid conservation, physicochemical variation, residue mobility, and thermodynamic stability) performed at Invitae indicates that this missense variant is not expected to disrupt PKP1 protein function. This variant has not been reported in the literature in individuals affected with PKP1-related conditions. This variant is present in population databases (rs772008553, gnomAD 0.0009%). This sequence change replaces valine, which is neutral and non-polar, with alanine, which is neutral and non-polar, at codon 469 of the PKP1 protein (p.Val469Ala).